The following is an entry in ClinVar:

ClinVar aggregate classification (germline): Uncertain significance (1 of 4 stars; one submission).

Conditions:
Gamma-aminobutyric acid transaminase deficiency (GABATD). Also called: GABA transaminase deficiency; Gamma aminobutyrate transaminase deficiency; 4 alpha aminobutyrate transaminase deficiency; GABA aminotransaminase deficiency. Identifiers: Orphanet 2066, MedGen C0342708, MONDO:0013166, OMIM 613163.

Submission:

Labcorp Genetics (formerly Invitae), Labcorp
Classification: Uncertain significance for Gamma-aminobutyric acid transaminase deficiency. Last evaluated: 2022-04-11. Review status: criteria provided, single submitter. Criteria: Invitae Variant Classification Sherloc (09022015). Collection method: clinical testing. Allele origin: germline.
Comment: In summary, the available evidence is currently insufficient to determine the role of this variant in disease. Therefore, it has been classified as a Variant of Uncertain Significance. Algorithms developed to predict the effect of missense changes on protein structure and function are either unavailable or do not agree on the potential impact of this missense change (SIFT: "Deleterious"; PolyPhen-2: "Possibly Damaging"; Align-GVGD: "Class C0"). This variant has not been reported in the literature in individuals affected with ABAT-related conditions. This variant is not present in population databases (gnomAD no frequency). This sequence change replaces proline, which is neutral and non-polar, with serine, which is neutral and polar, at codon 349 of the ABAT protein (p.Pro349Ser).

NM_020686.6(ABAT):c.1045C>T (p.Pro349Ser)

Gene: ABAT (4-aminobutyrate aminotransferase; plus strand). Cytogenetic location: 16p13.2.
Variant type: single nucleotide variant.
Coding change: c.1045C>T on transcript NM_020686.6 (MANE Select); coding-DNA position 1045, C replaced by T.
Protein change: p.Pro349Ser; replaces proline 349 with serine.
Molecular consequence: missense variant.
Genome position (GRCh38, 1-based): chr16:8,774,980, C>T. VCF-style: chr16-8774980-C-T. GRCh37 (hg19) VCF-style: chr16-8868837-C-T.
Other names: c.1045C>T, p.Pro349Ser (NM_000663.5, NM_001127448.2, NM_001386600.1 and 6 more transcripts); c.1006C>T, p.Pro336Ser (NM_001386605.1); c.982C>T, p.Pro328Ser (NM_001386606.1, NM_001386607.1); c.952C>T, p.Pro318Ser (NM_001386608.1); c.910C>T, p.Pro304Ser (NM_001386610.1, NM_001386611.1); c.847C>T, p.Pro283Ser (NM_001386612.1, NM_001386613.1); c.799C>T, p.Pro267Ser (NM_001386614.1); c.1141C>T, p.Pro381Ser (NM_001386615.1); short protein forms P267S, P381S, P283S, P304S, P318S, P336S, P328S, P349S.
Identifiers: ClinVar variation 2199309 (VCV002199309.4), dbSNP rs2549111168, ClinGen allele CA394689937.